The following is an entry in ClinVar:

NM_001170687.4(MIB2):c.657G>A (p.Val219=)

Gene: MIB2 (MIB E3 ubiquitin protein ligase 2; plus strand). Cytogenetic location: 1p36.33.
Variant type: single nucleotide variant.
Coding change: c.657G>A on transcript NM_001170687.4 (MANE Select); coding-DNA position 657, G replaced by A.
Protein change: p.Val219=; no amino-acid change (valine 219 retained).
Molecular consequence: synonymous variant. On other transcripts: non-coding transcript variant (1), intron variant (2).
Genome position (GRCh38, 1-based): chr1:1,625,121, G>A. VCF-style: chr1-1625121-G-A. GRCh37 (hg19) VCF-style: chr1-1560501-G-A.
Other names: c.657G>A, p.Val219= (NM_080875.5, NM_001170686.4); c.527-165G>A (NM_001170688.2, NM_001170689.2).
Identifiers: ClinVar variation 2638048 (VCV002638048.24), dbSNP rs202053540, ClinGen allele CA527456.
Genomic context (GRCh38, chr1:1,625,121, plus strand): 5'-CAGCGTGACGTGGGCTGATGGTACCACCAATGTGTACCGTGTGGGCCACAAGGGCAAGGT[G>A]GACCTCAAGTGTGTGGGCGAGGCAGCGGGCGGCTTCTACTACAAGGACCACCTCCCAAGG-3'
Protein context (NP_001164158.3, residues 209-229): NVYRVGHKGK[Val219=]DLKCVGEAAG

ClinVar aggregate classification (germline): Likely benign (1 of 4 stars; one submission).

Allele frequency attached by ClinVar (database versions not stated): 1000 Genomes Project 30x 0.00016; 1000 Genomes Project 0.00020; ExAC 0.00070; gnomAD 0.00087; ESP Exome Variant Server 0.00092; TOPMed 0.00097; gnomAD exomes 0.00156.
gnomAD v4.1: 2,396 of 1,613,378 alleles (0.15%); highest among the groups gnomAD compares: Non-Finnish European, 0.19%; 1 homozygote.

Submission:

CeGaT Center for Human Genetics Tuebingen
Classification: Likely benign. Last evaluated: 2023-08-01. Review status: criteria provided, single submitter. Criteria: CeGaT Center For Human Genetics Tuebingen Variant Classification Criteria Version 2. Collection method: clinical testing. Allele origin: germline. Affected: yes. Observed: 1 variant allele.
Comment: MIB2: BP4